The following is an entry in ClinVar:

ClinVar aggregate classification (germline): Uncertain significance (1 of 4 stars; one submission).

Conditions:
Inborn genetic diseases. Identifiers: MedGen C0950123, MeSH D030342.

Submission:

Ambry Genetics
Classification: Uncertain significance for Inborn genetic diseases. Last evaluated: 2025-03-17. Review status: criteria provided, single submitter. Criteria: Ambry Variant Classification Scheme 2023. Collection method: clinical testing. Allele origin: germline.
Comment: The c.769+1G>A intronic variant results from a G to A substitution one nucleotide after coding exon 2 of the WT1 gene. Alterations that disrupt the canonical splice site are expected to result in aberrant splicing. In silico splice site analysis predicts that this alteration will weaken the native splice donor site and may result in the creation or strengthening of a novel splice donor site. The resulting transcript is predicted to be in-frame and is not expected to trigger nonsense-mediated mRNAdecay; although, direct evidence is unavailable.This nucleotide position is highly conserved in available vertebrate species. Based on the available evidence, the clinical significance of this variant remains unclear.

NM_024426.6(WT1):c.784+1G>A

Gene: WT1 (WT1 transcription factor; minus strand). Cytogenetic location: 11p13.
Variant type: single nucleotide variant.
Coding change: c.784+1G>A on transcript NM_024426.6 (MANE Select); the canonical splice donor site of the intron after coding-DNA position 784, G replaced by A.
Molecular consequence: splice donor variant. On other transcripts: intron variant (2).
Genome position (GRCh38, 1-based): chr11:32,428,496, C>T on the plus strand (G>A on the coding strand, the complement: WT1 is on the minus strand). VCF-style: chr11-32428496-C-T. GRCh37 (hg19) VCF-style: chr11-32450042-C-T.
Other names: c.662-438G>A (NM_001407050.1, NM_001407047.1); c.784+1G>A (NM_001407048.1, NM_001407049.1, NM_000378.6 and 4 more transcripts); c.565+1G>A (NM_001429034.1, NM_001429033.1, NM_001429032.1 and 1 more transcripts); c.22+1G>A (NM_001407051.1); c.133+1G>A (NM_001198552.2, NM_001198551.2).
Identifiers: ClinVar variation 3982421 (VCV003982421.1).